The following is an entry in ClinVar:

NM_003072.5(SMARCA4):c.1405C>T (p.Arg469Trp)

Gene: SMARCA4 (SWI/SNF related BAF chromatin remodeling complex subunit ATPase 4; plus strand). Cytogenetic location: 19p13.2.
Variant type: single nucleotide variant.
Coding change: c.1405C>T on transcript NM_003072.5 (MANE Select); coding-DNA position 1405, C replaced by T.
Protein change: p.Arg469Trp; replaces arginine 469 with tryptophan.
Molecular consequence: missense variant. On other transcripts: non-coding transcript variant (1).
Genome position (GRCh38, 1-based): chr19:10,991,309, C>T. VCF-style: chr19-10991309-C-T. GRCh37 (hg19) VCF-style: chr19-11101985-C-T.
Other names: c.1405C>T, p.Arg469Trp (NM_001128844.3, NM_001128845.2, NM_001128846.2 and 5 more transcripts); short protein forms R469W.
Identifiers: ClinVar variation 408642 (VCV000408642.10), dbSNP rs1060502079, ClinGen allele CA16616118.

ClinVar aggregate classification (germline): Uncertain significance. Review status: criteria provided, multiple submitters, no conflicts (2 of 4 stars). 3 submissions from 3 submitters: Uncertain significance (3). Last evaluated 2026-01-26.

Conditions:
Hereditary cancer-predisposing syndrome. Also called: Hereditary Cancer Syndrome; Tumor predisposition; Hereditary neoplastic syndrome; Neoplastic Syndromes, Hereditary. Identifiers: Orphanet 140162, MedGen C0027672, MeSH D009386, MONDO:0015356.
Rhabdoid tumor predisposition syndrome 2 (RTPS2). Identifiers: Orphanet 231108, Orphanet 69077, MedGen C2750074, MONDO:0013224, OMIM 613325.

Allele frequency attached by ClinVar (database versions not stated): gnomAD exomes below 0.00001.
gnomAD v4.1: 1 of 1,602,162 alleles (0.000062%); highest among the groups gnomAD compares: Non-Finnish European, 0.000085%; no homozygotes.

Submissions (3):

Ambry Genetics
Classification: Uncertain significance for Hereditary cancer-predisposing syndrome. Last evaluated: 2026-01-26. Review status: criteria provided, single submitter. Criteria: Ambry Variant Classification Scheme 2023. Collection method: clinical testing. Allele origin: germline.
Comment: The p.R469W variant (also known as c.1405C>T), located in coding exon 7 of the SMARCA4 gene, results from a C to T substitution at nucleotide position 1405. The arginine at codon 469 is replaced by tryptophan, an amino acid with dissimilar properties. This amino acid position is highly conserved in available vertebrate species. In addition, the in silico prediction for this alteration is inconclusive. Based on the available evidence, the clinical significance of this variant remains unclear.

GeneDx
Classification: Uncertain significance. Last evaluated: 2025-03-17. Review status: criteria provided, single submitter. Criteria: GeneDx Variant Classification Process June 2021. Collection method: clinical testing. Allele origin: germline.
Comment: Not observed at significant frequency in large population cohorts (gnomAD); In silico analysis supports that this missense variant has a deleterious effect on protein structure/function; Has not been previously published as pathogenic or benign to our knowledge; This variant is associated with the following publications: (PMID: 24658002)

Labcorp Genetics (formerly Invitae), Labcorp
Classification: Uncertain significance for Rhabdoid tumor predisposition syndrome 2. Last evaluated: 2020-10-30. Review status: criteria provided, single submitter. Criteria: Invitae Variant Classification Sherloc (09022015). Collection method: clinical testing. Allele origin: germline.
Comment: In summary, the available evidence is currently insufficient to determine the role of this variant in disease. Therefore, it has been classified as a Variant of Uncertain Significance. Algorithms developed to predict the effect of missense changes on protein structure and function are either unavailable or do not agree on the potential impact of this missense change (SIFT: "Deleterious"; PolyPhen-2: "Probably Damaging"; Align-GVGD: "Class C0"). This variant has not been reported in the literature in individuals with SMARCA4-related conditions. ClinVar contains an entry for this variant (Variation ID: 408642). This variant is not present in population databases (ExAC no frequency). This sequence change replaces arginine with tryptophan at codon 469 of the SMARCA4 protein (p.Arg469Trp). The arginine residue is highly conserved and there is a moderate physicochemical difference between arginine and tryptophan.